The following is an entry in ClinVar:

ClinVar aggregate classification (germline): Uncertain significance (1 of 4 stars; one submission).

Conditions:
Tietz syndrome (TADS). Also called: TIETZ ALBINISM-DEAFNESS SYNDROME; HYPOPIGMENTATION/DEAFNESS OF TIETZ; ALBINISM-DEAFNESS OF TIETZ. Identifiers: Orphanet 42665, MedGen C0391816, MONDO:0007077, OMIM 103500.
Waardenburg syndrome type 2A (WS2A). Also called: WAARDENBURG SYNDROME WITHOUT DYSTOPIA CANTHORUM. Identifiers: Orphanet 3440, MedGen C1860339, MONDO:0008671, OMIM 193510.
Melanoma, cutaneous malignant, susceptibility to, 8. Also called: Cutaneous malignant melanoma 8; MELANOMA AND RENAL CELL CARCINOMA, SUSCEPTIBILITY TO. Identifiers: Orphanet 293822, MedGen C3152204, MONDO:0013759, OMIM 614456.

Submission:

Labcorp Genetics (formerly Invitae), Labcorp
Classification: Uncertain significance for Melanoma, cutaneous malignant, susceptibility to, 8; Waardenburg syndrome type 2A; Tietz syndrome. Last evaluated: 2022-06-19. Review status: criteria provided, single submitter. Criteria: Invitae Variant Classification Sherloc (09022015). Collection method: clinical testing. Allele origin: germline.
Comment: Algorithms developed to predict the effect of sequence changes on RNA splicing suggest that this variant is not likely to affect RNA splicing. In summary, the available evidence is currently insufficient to determine the role of this variant in disease. Therefore, it has been classified as a Variant of Uncertain Significance. This variant has not been reported in the literature in individuals affected with MITF-related conditions. This variant is not present in population databases (gnomAD no frequency). This sequence change affects codon 186 of the MITF mRNA. It is a 'silent' change, meaning that it does not change the encoded amino acid sequence of the MITF protein. It affects a nucleotide within the consensus splice site.

NM_001354604.2(MITF):c.879A>G (p.Thr293=)

Gene: MITF (melanocyte inducing transcription factor; plus strand). Cytogenetic location: 3p13.
Variant type: single nucleotide variant.
Coding change: c.879A>G on transcript NM_001354604.2 (MANE Select); coding-DNA position 879, A replaced by G.
Protein change: p.Thr293=; no amino-acid change (threonine 293 retained).
Molecular consequence: synonymous variant.
Genome position (GRCh38, 1-based): chr3:69,949,167, A>G. VCF-style: chr3-69949167-A-G. GRCh37 (hg19) VCF-style: chr3-69998318-A-G.
Other names: c.558A>G, p.Thr186= (NM_000248.4, NM_198158.3); c.723A>G, p.Thr241= (NM_001184967.2, NM_001354608.2); c.876A>G, p.Thr292= (NM_001354605.2, NM_001354606.2, NM_006722.3); c.828A>G, p.Thr276= (NM_001354607.2); c.879A>G, p.Thr293= (NM_198159.3); c.831A>G, p.Thr277= (NM_198177.3); c.390A>G, p.Thr130= (NM_198178.3).
Identifiers: ClinVar variation 2126245 (VCV002126245.4), dbSNP rs2471621518, ClinGen allele CA434305918.